The following is an entry in ClinVar:

NM_020975.6(RET):c.853T>C (p.Phe285Leu)

Gene: RET (ret proto-oncogene; plus strand). Cytogenetic location: 10q11.21.
Variant type: single nucleotide variant.
Coding change: c.853T>C on transcript NM_020975.6 (MANE Select); coding-DNA position 853, T replaced by C.
Protein change: p.Phe285Leu; replaces phenylalanine 285 with leucine.
Molecular consequence: missense variant.
Genome position (GRCh38, 1-based): chr10:43,105,179, T>C. VCF-style: chr10-43105179-T-C. GRCh37 (hg19) VCF-style: chr10-43600627-T-C.
Other names: c.853T>C, p.Phe285Leu (NM_000323.2, NM_001406743.1, NM_001406744.1 and 8 more transcripts); c.91T>C, p.Phe31Leu (NM_001355216.2); c.724T>C, p.Phe242Leu (NM_001406761.1, NM_001406762.1, NM_001406764.1 and 2 more transcripts); c.565T>C, p.Phe189Leu (NM_001406766.1, NM_001406767.1, NM_001406770.1); short protein forms F285L, F31L, F189L, F242L.
Identifiers: ClinVar variation 543732 (VCV000543732.10), dbSNP rs1554817836, ClinGen allele CA376545377.

ClinVar aggregate classification (germline): Uncertain significance. Review status: criteria provided, multiple submitters, no conflicts (2 of 4 stars). 2 submissions from 2 submitters: Uncertain significance (2). Last evaluated 2024-05-09.

Conditions:
Multiple endocrine neoplasia, type 2 (MEN2). Identifiers: Orphanet 653, MedGen C4048306, MONDO:0019003. Disease mechanism: gain of function.

Submissions (2):

All of Us Research Program, National Institutes of Health
Classification: Uncertain significance for Multiple endocrine neoplasia, type 2. Last evaluated: 2024-05-09. Review status: criteria provided, single submitter. Criteria: ACMG Guidelines, 2015. Collection method: clinical testing. Allele origin: germline. Inheritance: Autosomal dominant inheritance. Observed: 1 variant allele, 1 heterozygote.
Comment: This study involves interpretation of variants in research participants for the purpose of population health screening. Participant phenotype was not available at the time of variant classification. Additional details can be found in publication PMID: 35346344, PMCID: PMC8962531

Labcorp Genetics (formerly Invitae), Labcorp
Classification: Uncertain significance for Multiple endocrine neoplasia, type 2. Last evaluated: 2017-09-17. Review status: criteria provided, single submitter. Criteria: Invitae Variant Classification Sherloc (09022015). Collection method: clinical testing. Allele origin: germline.
Comment: This sequence change replaces phenylalanine with leucine at codon 285 of the RET protein (p.Phe285Leu). The phenylalanine residue is moderately conserved and there is a small physicochemical difference between phenylalanine and leucine. This variant is not present in population databases (ExAC no frequency). This variant has not been reported in the literature in individuals with RET-related disease. Algorithms developed to predict the effect of missense changes on protein structure and function do not agree on the potential impact of this missense change (SIFT: "Deleterious"; PolyPhen-2: "Benign"; Align-GVGD: "Class C0"). In summary, the available evidence is currently insufficient to determine the role of this variant in disease. Therefore, it has been classified as a Variant of Uncertain Significance.